The following is an entry in ClinVar:

NM_001048174.2(MUTYH):c.1347G>A (p.Thr449=)

Gene: MUTYH (mutY DNA glycosylase; minus strand). Cytogenetic location: 1p34.1.
Variant type: single nucleotide variant.
Coding change: c.1347G>A on transcript NM_001048174.2 (MANE Select); coding-DNA position 1347, G replaced by A.
Protein change: p.Thr449=; no amino-acid change (threonine 449 retained).
Molecular consequence: synonymous variant. On other transcripts: non-coding transcript variant (2).
Genome position (GRCh38, 1-based): chr1:45,331,227, C>T on the plus strand (G>A on the coding strand, the complement: MUTYH is on the minus strand). VCF-style: chr1-45331227-C-T. GRCh37 (hg19) VCF-style: chr1-45796899-C-T.
Other names: c.1347G>A, p.Thr449= (NM_001048171.2, NM_001048173.2, NM_001293195.2); c.1350G>A, p.Thr450= (NM_001048172.2); c.1431G>A, p.Thr477= (NM_001128425.2); c.1392G>A, p.Thr464= (NM_001293190.2); c.1380G>A, p.Thr460= (NM_001293191.2); c.1071G>A, p.Thr357= (NM_001293192.2, NM_001293196.2); c.1002G>A, p.Thr334= (NM_001350650.2, NM_001350651.2); c.1422G>A, p.Thr474= (NM_012222.3).
Identifiers: ClinVar variation 233896 (VCV000233896.25), dbSNP rs74318065, ClinGen allele CA10577701.
Genomic context (GRCh38, chr1:45,331,227, plus strand): 5'-CAACAAAGGTAGTGCCTTTTTCATGGCGGTGGAAACAGCTGCGGTGTGAAATTCCTCCTG[C>T]GTCAGCCAGCGAGCACCTGGTGGTACGGTGGTCACTGGGGTCTGCCCTTCCAAGGCCAGC-3'
Protein context (NP_001041639.1, residues 439-459): TTVPPGARWL[Thr449=]QEEFHTAAVS

ClinVar aggregate classification (germline): Likely benign. Review status: criteria provided, multiple submitters, no conflicts (2 of 4 stars). 7 submissions from 7 submitters: Likely benign (7). Last evaluated 2026-01-28.

Conditions:
Hereditary cancer-predisposing syndrome. Also called: Tumor predisposition; Hereditary Cancer Syndrome; Neoplastic Syndromes, Hereditary; Hereditary neoplastic syndrome. Identifiers: Orphanet 140162, MedGen C0027672, MeSH D009386, MONDO:0015356.
Familial adenomatous polyposis 2. Also called: MYH-associated polyposis; FAP type 2; ADENOMAS, MULTIPLE COLORECTAL, AUTOSOMAL RECESSIVE; MUTYH Polyposis; MUTYH-associated polyposis; MUTYH-related attenuated familial adenomatous polyposis. Identifiers: Orphanet 220460, Orphanet 247798, MedGen C3272841, MONDO:0012041, OMIM 608456.

Submissions (7):

Labcorp Genetics (formerly Invitae), Labcorp
Classification: Likely benign for Familial adenomatous polyposis 2. Last evaluated: 2026-01-28. Review status: criteria provided, single submitter. Criteria: Invitae Variant Classification Sherloc (09022015). Collection method: clinical testing. Allele origin: germline.

All of Us Research Program, National Institutes of Health
Classification: Likely benign for Familial adenomatous polyposis 2. Last evaluated: 2024-07-20. Review status: criteria provided, single submitter. Criteria: ACMG Guidelines, 2015. Collection method: clinical testing. Allele origin: germline. Inheritance: Autosomal recessive inheritance. Observed: 1 variant allele, 1 heterozygote.
Comment: This study involves interpretation of variants in research participants for the purpose of population health screening. Participant phenotype was not available at the time of variant classification. Additional details can be found in publication PMID: 35346344, PMCID: PMC8962531

GeneDx
Classification: Likely benign. Last evaluated: 2022-01-20. Review status: criteria provided, single submitter. Criteria: GeneDx Variant Classification Process June 2021. Collection method: clinical testing. Allele origin: germline. Affected: yes.

Women's Health and Genetics/Laboratory Corporation of America, LabCorp
Classification: Likely benign. Last evaluated: 2021-10-02. Review status: criteria provided, single submitter. Criteria: LabCorp Variant Classification Summary - May 2015. Collection method: clinical testing. Allele origin: germline.

Quest Diagnostics Nichols Institute San Juan Capistrano
Classification: Likely benign. Last evaluated: 2020-06-30. Review status: criteria provided, single submitter. Criteria: Quest Diagnostics criteria. Collection method: clinical testing. Allele origin: unknown.

Color Diagnostics, LLC DBA Color Health
Classification: Likely benign for Hereditary cancer-predisposing syndrome. Last evaluated: 2016-05-03. Review status: criteria provided, single submitter. Criteria: ACMG Guidelines, 2015. Collection method: clinical testing. Allele origin: germline.

Ambry Genetics
Classification: Likely benign for Hereditary cancer-predisposing syndrome. Last evaluated: 2015-09-16. Review status: criteria provided, single submitter. Criteria: Ambry Variant Classification Scheme 2023. Collection method: clinical testing. Allele origin: germline.